The following is an entry in ClinVar:

ClinVar aggregate classification (germline): Uncertain significance (1 of 4 stars; one submission).

Conditions:
Atrioventricular septal defect 5 (AVSD5). Identifiers: MedGen C3280939, MONDO:0013769, OMIM 614474.

Allele frequency attached by ClinVar (database versions not stated): ExAC 0.00001; gnomAD exomes 0.00001.
gnomAD v4.1: 12 of 1,614,248 alleles (0.00074%); highest among the groups gnomAD compares: Non-Finnish European, 0.001%; no homozygotes.

Submission:

Labcorp Genetics (formerly Invitae), Labcorp
Classification: Uncertain significance for Atrioventricular septal defect 5. Last evaluated: 2017-10-17. Review status: criteria provided, single submitter. Criteria: Invitae Variant Classification Sherloc (09022015). Collection method: clinical testing. Allele origin: germline.
Comment: This variant has not been reported in the literature in individuals with GATA6-related disease. This sequence change replaces proline with leucine at codon 544 of the GATA6 protein (p.Pro544Leu). The proline residue is weakly conserved and there is a moderate physicochemical difference between proline and leucine. This variant is present in population databases (rs767156756, ExAC 0.002%). Algorithms developed to predict the effect of missense changes on protein structure and function (SIFT, PolyPhen-2, Align-GVGD) all suggest that this variant is likely to be tolerated, but these predictions have not been confirmed by published functional studies and their clinical significance is uncertain. In summary, the available evidence is currently insufficient to determine the role of this variant in disease. Therefore, it has been classified as a Variant of Uncertain Significance.

NM_005257.6(GATA6):c.1631C>T (p.Pro544Leu)

Gene: GATA6 (GATA binding protein 6; plus strand). Cytogenetic location: 18q11.2.
Variant type: single nucleotide variant.
Coding change: c.1631C>T on transcript NM_005257.6 (MANE Select); coding-DNA position 1631, C replaced by T.
Protein change: p.Pro544Leu; replaces proline 544 with leucine.
Molecular consequence: missense variant.
Genome position (GRCh38, 1-based): chr18:22,200,666, C>T. VCF-style: chr18-22200666-C-T. GRCh37 (hg19) VCF-style: chr18-19780629-C-T.
Other names: short protein forms P544L.
Identifiers: ClinVar variation 540136 (VCV000540136.8), dbSNP rs767156756, ClinGen allele CA8909056.